The following is an entry in ClinVar:

ClinVar aggregate classification (germline): Uncertain significance (1 of 4 stars; one submission).

gnomAD v4.1: 2 of 1,613,450 alleles (0.00012%); highest among the groups gnomAD compares: African/African-American, 0.0013%; no homozygotes.

Submission:

Labcorp Genetics (formerly Invitae), Labcorp
Classification: Uncertain significance. Last evaluated: 2022-07-05. Review status: criteria provided, single submitter. Criteria: Invitae Variant Classification Sherloc (09022015). Collection method: clinical testing. Allele origin: germline.
Comment: This sequence change replaces valine, which is neutral and non-polar, with glycine, which is neutral and non-polar, at codon 2884 of the ADGRV1 protein (p.Val2884Gly). This variant is not present in population databases (gnomAD no frequency). This variant has not been reported in the literature in individuals affected with ADGRV1-related conditions. ClinVar contains an entry for this variant (Variation ID: 1465694). Algorithms developed to predict the effect of missense changes on protein structure and function are either unavailable or do not agree on the potential impact of this missense change (SIFT: "Tolerated"; PolyPhen-2: "Probably Damaging"; Align-GVGD: "Class C0"). Algorithms developed to predict the effect of sequence changes on RNA splicing suggest that this variant may create or strengthen a splice site. In summary, the available evidence is currently insufficient to determine the role of this variant in disease. Therefore, it has been classified as a Variant of Uncertain Significance.

NM_032119.4(ADGRV1):c.8651T>G (p.Val2884Gly)

Gene: ADGRV1 (adhesion G protein-coupled receptor V1; plus strand). Cytogenetic location: 5q14.3.
Variant type: single nucleotide variant.
Coding change: c.8651T>G on transcript NM_032119.4 (MANE Select); coding-DNA position 8651, T replaced by G.
Protein change: p.Val2884Gly; replaces valine 2884 with glycine.
Molecular consequence: missense variant. On other transcripts: non-coding transcript variant (1).
Genome position (GRCh38, 1-based): chr5:90,706,315, T>G. VCF-style: chr5-90706315-T-G. GRCh37 (hg19) VCF-style: chr5-90002132-T-G.
Other names: short protein forms V2884G.
Identifiers: ClinVar variation 1465694 (VCV001465694.5), dbSNP rs111033517, ClinGen allele CA360392100.